The following is an entry in ClinVar:

NM_000829.4(GRIA4):c.411G>A (p.Ser137=)

Genes: GRIA4 (glutamate ionotropic receptor AMPA type subunit 4; plus strand), LOC126861324 (CDK7 strongly-dependent group 2 enhancer GRCh37_chr11:105623830-105625029; plus strand). Cytogenetic location: 11q22.3.
Variant type: single nucleotide variant.
Coding change: c.411G>A on transcript NM_000829.4 (MANE Select); coding-DNA position 411, G replaced by A.
Protein change: p.Ser137=; no amino-acid change (serine 137 retained).
Molecular consequence: synonymous variant. On other transcripts: non-coding transcript variant (1).
Genome position (GRCh38, 1-based): chr11:105,753,144, G>A. VCF-style: chr11-105753144-G-A. GRCh37 (hg19) VCF-style: chr11-105623870-G-A.
Other names: c.411G>A, p.Ser137= (NM_001077243.3, NM_001077244.2, NM_001112812.2).
Identifiers: ClinVar variation 3057495 (VCV003057495.5), dbSNP rs745523574, ClinGen allele CA6258361.
Genomic context (GRCh38, chr11:105,753,144, plus strand): 5'-CATCACACCAAGTTTCCCTACTGAGGGGGAGAGCCAGTTTGTGCTGCAACTAAGACCTTC[G>A]TTACGAGGAGCACTCTTGAGTTTGCTGGATCACTACGAATGGAACTGTTTTGTCTTCCTG-3'
Protein context (NP_000820.4, residues 127-147): ESQFVLQLRP[Ser137=]LRGALLSLLD

ClinVar aggregate classification (germline): Likely benign. Review status: criteria provided, multiple submitters, no conflicts (2 of 4 stars). 3 submissions from 3 submitters: Likely benign (2). 1 of the submissions does not count toward it. Last evaluated 2026-06-01.

Conditions:
GRIA4-related disorder. Also called: GRIA4-related condition.

Allele frequency attached by ClinVar (database versions not stated): gnomAD 0.00003; TOPMed 0.00003; ExAC 0.00005.
gnomAD v4.1: 67 of 1,613,612 alleles (0.0042%); highest among the groups gnomAD compares: Middle Eastern, 0.033%; no homozygotes.

Submissions (3):

CeGaT Center for Human Genetics Tuebingen
Classification: Likely benign. Last evaluated: 2026-06-01. Review status: criteria provided, single submitter. Criteria: CeGaT Center For Human Genetics Tuebingen Variant Classification Criteria Version 2. Collection method: clinical testing. Allele origin: germline. Affected: yes. Observed: 1 variant allele.
Comment: GRIA4: BP4, BP7

Blueprint Genetics
Classification: Likely benign. Last evaluated: 2024-10-29. Review status: criteria provided, single submitter. Criteria: ACMG Guidelines, 2015. Collection method: clinical testing. Allele origin: germline.

PreventionGenetics, part of Exact Sciences
Classification: Likely benign for GRIA4-related condition. Last evaluated: 2019-04-04. Review status: no assertion criteria provided. Collection method: clinical testing. Allele origin: germline. Not counted in ClinVar's aggregate classification.
Comment: This variant is classified as likely benign based on ACMG/AMP sequence variant interpretation guidelines (Richards et al. 2015 PMID: 25741868, with internal and published modifications).